The following is an entry in ClinVar:

NM_000133.4(F9):c.960A>C (p.Glu320Asp)

Gene: F9 (coagulation factor IX; plus strand). Cytogenetic location: Xq27.1.
Variant type: single nucleotide variant.
Coding change: c.960A>C on transcript NM_000133.4 (MANE Select); coding-DNA position 960, A replaced by C.
Protein change: p.Glu320Asp; replaces glutamic acid 320 with aspartic acid.
Molecular consequence: missense variant.
Genome position (GRCh38, 1-based): chrX:139,561,645, A>C. VCF-style: chrX-139561645-A-C. GRCh37 (hg19) VCF-style: chrX-138643804-A-C.
Other names: c.846A>C, p.Glu282Asp (NM_001313913.2); short protein forms E282D, E320D.
Identifiers: ClinVar variation 650843 (VCV000650843.8), dbSNP rs1489951549, ClinGen allele CA414444957.

ClinVar aggregate classification (germline): Uncertain significance (1 of 4 stars; one submission).

Conditions:
Hereditary factor IX deficiency disease (HEMB). Also called: F9 DEFICIENCY; FACTOR IX DEFICIENCY; Christmas Disease; PLASMA THROMBOPLASTIN COMPONENT DEFICIENCY; Hemophilia B. Identifiers: Orphanet 98879, MedGen C0008533, MeSH D002836, MONDO:0010604, OMIM 306900.
Thrombophilia, X-linked, due to factor 9 defect. Identifiers: MedGen C2749016, MONDO:0010432, OMIM 300807.

Allele frequency attached by ClinVar (database versions not stated): TOPMed 0.00002.

Submission:

Labcorp Genetics (formerly Invitae), Labcorp
Classification: Uncertain significance for Thrombophilia, X-linked, due to factor 9 defect; Hereditary factor IX deficiency disease. Last evaluated: 2018-12-20. Review status: criteria provided, single submitter. Criteria: Invitae Variant Classification Sherloc (09022015). Collection method: clinical testing. Allele origin: germline.
Comment: This variant has not been reported in the literature in individuals with F9-related conditions. In summary, the available evidence is currently insufficient to determine the role of this variant in disease. Therefore, it has been classified as a Variant of Uncertain Significance. Algorithms developed to predict the effect of missense changes on protein structure and function are either unavailable or do not agree on the potential impact of this missense change (SIFT: "Tolerated"; PolyPhen-2: "Possibly Damaging"; Align-GVGD: "Class C0"). This variant is not present in population databases (ExAC no frequency). This sequence change replaces glutamic acid with aspartic acid at codon 320 of the F9 protein (p.Glu320Asp). The glutamic acid residue is highly conserved and there is a small physicochemical difference between glutamic acid and aspartic acid.